The following is an entry in ClinVar:

NM_001037.5(SCN1B):c.510G>C (p.Leu170Phe)

Gene: SCN1B (sodium voltage-gated channel beta subunit 1; plus strand). Cytogenetic location: 19q13.11.
Variant type: single nucleotide variant.
Coding change: c.510G>C on transcript NM_001037.5 (MANE Select); coding-DNA position 510, G replaced by C.
Protein change: p.Leu170Phe; replaces leucine 170 with phenylalanine.
Molecular consequence: missense variant.
Genome position (GRCh38, 1-based): chr19:35,039,178, G>C. VCF-style: chr19-35039178-G-C. GRCh37 (hg19) VCF-style: chr19-35530082-G-C.
Other names: c.411G>C, p.Leu137Phe (NM_001321605.2); short protein forms L137F, L170F.
Identifiers: ClinVar variation 4075803 (VCV004075803.1).

ClinVar aggregate classification (germline): Likely pathogenic (1 of 4 stars; one submission).

Conditions:
Long QT syndrome (LQTS). Identifiers: MedGen C0023976, MeSH D008133, MONDO:0002442. Disease mechanism: loss of function. Inheritance: Various modes of inheritance.

Submission:

Department of Genetics and Molecular Biology, Isfahan University of Medical Sciences
Classification: Likely pathogenic for Long QT syndrome. Last evaluated: 2025-05-24. Review status: criteria provided, single submitter. Criteria: ACMG Guidelines, 2015. Collection method: clinical testing. Allele origin: germline. Affected: yes.
Comment: Variant located in a mutational hotspot (PM1), absent from controls (PM2), assumed de novo (PM6), and computational evidence supports deleterious effect (PP3). Classified as likely pathogenic due to cumulative evidence.